The following is an entry in ClinVar:

NM_000043.6(FAS):c.651+1G>A

Gene: FAS (Fas cell surface death receptor; plus strand). Cytogenetic location: 10q23.31.
Variant type: single nucleotide variant.
Coding change: c.651+1G>A on transcript NM_000043.6 (MANE Select); the canonical splice donor site of the intron after coding-DNA position 651, G replaced by A.
Molecular consequence: splice donor variant. On other transcripts: intron variant (1).
Genome position (GRCh38, 1-based): chr10:89,012,082, G>A. VCF-style: chr10-89012082-G-A. GRCh37 (hg19) VCF-style: chr10-90771839-G-A.
Other names: c.651+1G>A (NM_152872.4); c.569-1261G>A (NM_001320619.2); c.588+1G>A (NM_152871.4); c.696+1G>A (NM_001410956.1).
Identifiers: ClinVar variation 573761 (VCV000573761.10), dbSNP rs1564696849, ClinGen allele CA377509400.

ClinVar aggregate classification (germline): Pathogenic/Likely pathogenic. Review status: criteria provided, multiple submitters, no conflicts (2 of 4 stars). 2 submissions from 2 submitters: Pathogenic (1); Likely pathogenic (1). Last evaluated 2022-02-21.

Conditions:
Autoimmune lymphoproliferative syndrome type 1. Also called: AUTOIMMUNE LYMPHOPROLIFERATIVE SYNDROME, TYPE I, AUTOSOMAL DOMINANT. Identifiers: Orphanet 3261, MedGen C2717884, MONDO:0011158, OMIM 601859.

Submissions (2):

Labcorp Genetics (formerly Invitae), Labcorp
Classification: Pathogenic for Autoimmune lymphoproliferative syndrome. Last evaluated: 2022-02-21. Review status: criteria provided, single submitter. Criteria: Invitae Variant Classification Sherloc (09022015). Collection method: clinical testing. Allele origin: germline.
Comment: Disruption of this splice site has been observed in individuals with autosomal dominant autoimmune lymphoproliferative syndrome (ALPS) (PMID: 9533447, 15459303, 22237435). This variant is not present in population databases (gnomAD no frequency). This sequence change affects a donor splice site in intron 7 of the FAS gene. RNA analysis indicates that disruption of this splice site induces altered splicing and may result in an absent or disrupted protein product. ClinVar contains an entry for this variant (Variation ID: 573761). For these reasons, this variant has been classified as Pathogenic. Studies have shown that disruption of this splice site results in skipping of exon 7 and introduces a premature termination codon (PMID: 15459303). The resulting mRNA is expected to undergo nonsense-mediated decay.

Fulgent Genetics
Classification: Likely pathogenic for Autoimmune lymphoproliferative syndrome type 1. Last evaluated: 2021-07-13. Review status: criteria provided, single submitter. Criteria: ACMG Guidelines, 2015. Collection method: clinical testing. Allele origin: unknown.

Literature cited by the submitters: PubMed 9533447 (cited by Labcorp Genetics (formerly Invitae), Labcorp); PubMed 15459303 (cited by Labcorp Genetics (formerly Invitae), Labcorp); PubMed 22237435 (cited by Labcorp Genetics (formerly Invitae), Labcorp).